The following is an entry in ClinVar:

ClinVar aggregate classification (germline): Uncertain significance (1 of 4 stars; one submission).

Conditions:
Neurofibromatosis, type 1 (NF1). Also called: NEUROFIBROMATOSIS, TYPE I, SOMATIC; Neurofibromatosis, type I; Peripheral type neurofibromatosis; VON RECKLINGHAUSEN DISEASE. Identifiers: Orphanet 636, MedGen C0027831, MONDO:0018975, OMIM 162200. Disease mechanism: loss of function.

Allele frequency attached by ClinVar (database versions not stated): gnomAD exomes below 0.00001; ExAC 0.00002.
gnomAD v4.1: 4 of 1,614,002 alleles (0.00025%); highest among the groups gnomAD compares: South Asian, 0.0044%; no homozygotes.

Submission:

Labcorp Genetics (formerly Invitae), Labcorp
Classification: Uncertain significance for Neurofibromatosis, type 1. Last evaluated: 2024-06-12. Review status: criteria provided, single submitter. Criteria: Invitae Variant Classification Sherloc (09022015). Collection method: clinical testing. Allele origin: germline.
Comment: This sequence change replaces serine, which is neutral and polar, with glycine, which is neutral and non-polar, at codon 2235 of the NF1 protein (p.Ser2235Gly). This variant is present in population databases (rs767980442, gnomAD 0.006%). This variant has not been reported in the literature in individuals affected with NF1-related conditions. Advanced modeling of protein sequence and biophysical properties (such as structural, functional, and spatial information, amino acid conservation, physicochemical variation, residue mobility, and thermodynamic stability) has been performed at Invitae for this missense variant, however the output from this modeling did not meet the statistical confidence thresholds required to predict the impact of this variant on NF1 protein function. In summary, the available evidence is currently insufficient to determine the role of this variant in disease. Therefore, it has been classified as a Variant of Uncertain Significance.

NM_001042492.3(NF1):c.6766A>G (p.Ser2256Gly)

Gene: NF1 (neurofibromin 1; plus strand). Cytogenetic location: 17q11.2.
Variant type: single nucleotide variant.
Coding change: c.6766A>G on transcript NM_001042492.3 (MANE Select); coding-DNA position 6766, A replaced by G.
Protein change: p.Ser2256Gly; replaces serine 2256 with glycine.
Molecular consequence: missense variant.
Genome position (GRCh38, 1-based): chr17:31,338,086, A>G. VCF-style: chr17-31338086-A-G. GRCh37 (hg19) VCF-style: chr17-29665104-A-G.
Other names: c.6703A>G, p.Ser2235Gly (NM_000267.4); short protein forms S2235G, S2256G.
Identifiers: ClinVar variation 2988983 (VCV002988983.3), dbSNP rs767980442, ClinGen allele CA8487424.
Genomic context (GRCh38, chr17:31,338,086, plus strand): 5'-TTTGCATTCCAATATAATCCATCCCTGCAACCAAGAGCTCTTGTTGTCTTTGGGTGTATT[A>G]GCAAACGAGTGTCTCATGGGCAGATAAAGCAGATAATCCGTATTCTTAGCAAGGTACCTG-3'
Protein context (NP_001035957.1, residues 2246-2266): PRALVVFGCI[Ser2256Gly]KRVSHGQIKQ